The following is an entry in ClinVar:

ClinVar aggregate classification (germline): Pathogenic. Review status: criteria provided, multiple submitters, no conflicts (2 of 4 stars). 5 submissions from 5 submitters: Pathogenic (4). 1 of the submissions does not count toward it. Last evaluated 2025-07-17.

Conditions:
COL5A1-related disorders.
Ehlers-Danlos syndrome, classic type, 1 (EDSCL1). Also called: EHLERS-DANLOS SYNDROME, GRAVIS TYPE; EHLERS-DANLOS SYNDROME, SEVERE CLASSIC TYPE; EDS I; Ehlers-Danlos syndrome, type 1; Ehlers-Danlos Syndrome, Classic Type, COL5A1-Related. Identifiers: MedGen C0268335, MONDO:0019567, OMIM 130000.
Ehlers-Danlos syndrome (EDS). Identifiers: Orphanet 98249, MedGen C0013720, MONDO:0020066.

Submissions (5):

Labcorp Genetics (formerly Invitae), Labcorp
Classification: Pathogenic for Ehlers-Danlos syndrome, classic type, 1. Last evaluated: 2025-07-17. Review status: criteria provided, single submitter. Criteria: Invitae Variant Classification Sherloc (09022015). Collection method: clinical testing. Allele origin: germline.
Comment: This sequence change creates a premature translational stop signal (p.Arg792*) in the COL5A1 gene. It is expected to result in an absent or disrupted protein product. Loss-of-function variants in COL5A1 are known to be pathogenic (PMID: 23587214). This variant is not present in population databases (gnomAD no frequency). This premature translational stop signal has been observed in individual(s) with Ehlers-Danlos syndrome (PMID: 10777716, 31829210). ClinVar contains an entry for this variant (Variation ID: 17191). For these reasons, this variant has been classified as Pathogenic.

GeneDx
Classification: Pathogenic. Last evaluated: 2025-06-03. Review status: criteria provided, single submitter. Criteria: GeneDx Variant Classification Process June 2021. Collection method: clinical testing. Allele origin: germline. Affected: yes.
Comment: Nonsense variant predicted to result in protein truncation or nonsense mediated decay in a gene for which loss of function is a known mechanism of disease; Not observed at significant frequency in large population cohorts (gnomAD); Identified in patients with classic Ehlers-Danlos syndrome (cEDS) in published literature; one patient also harbored another variant in the COL5A1 gene, however, phase was unknown (PMID: 10777716, 31829210); This variant is associated with the following publications: (PMID: 25525159, 10777716, 31829210)

Blueprint Genetics
Classification: Pathogenic for COL5A1-related disorders. Last evaluated: 2023-12-29. Review status: criteria provided, single submitter. Criteria: ACMG Guidelines, 2015. Collection method: clinical testing. Allele origin: germline. Affected: yes. Observed: 3 variant alleles.

Genome Diagnostics Laboratory, The Hospital for Sick Children
Classification: Pathogenic for Ehlers-Danlos syndrome. Last evaluated: 2021-11-17. Review status: criteria provided, single submitter. Criteria: ACMG Guidelines, 2015. Collection method: clinical testing. Allele origin: germline.

OMIM
Classification: Pathogenic for EHLERS-DANLOS SYNDROME, CLASSIC TYPE, 1. Last evaluated: 2000-06-01. Review status: no assertion criteria provided. Collection method: literature only. Allele origin: germline. Not counted in ClinVar's aggregate classification.

Literature cited by the submitters: PubMed 23587214 (cited by Labcorp Genetics (formerly Invitae), Labcorp); PubMed 10777716 (cited by Labcorp Genetics (formerly Invitae), Labcorp and OMIM); PubMed 31829210 (cited by Labcorp Genetics (formerly Invitae), Labcorp).

NM_000093.5(COL5A1):c.2374C>T (p.Arg792Ter)

Gene: COL5A1 (collagen type V alpha 1 chain; plus strand). Cytogenetic location: 9q34.3.
Variant type: single nucleotide variant.
Coding change: c.2374C>T on transcript NM_000093.5 (MANE Select); coding-DNA position 2374, C replaced by T.
Protein change: p.Arg792Ter; replaces arginine 792 with a stop codon.
Molecular consequence: nonsense.
Genome position (GRCh38, 1-based): chr9:134,774,901, C>T. VCF-style: chr9-134774901-C-T. GRCh37 (hg19) VCF-style: chr9-137666747-C-T.
Other names: c.2374C>T, p.Arg792Ter (NM_001278074.1); c.2374C>T (NM_000093.3); short protein forms R792*.
Identifiers: ClinVar variation 17191 (VCV000017191.9), dbSNP rs121912933, ClinGen allele CA281073.